The following is an entry in ClinVar:

NM_001384732.1(CPLANE1):c.3884A>C (p.Gln1295Pro)

Gene: CPLANE1 (ciliogenesis and planar polarity effector complex subunit 1; minus strand). Cytogenetic location: 5p13.2.
Variant type: single nucleotide variant.
Coding change: c.3884A>C on transcript NM_001384732.1 (MANE Select); coding-DNA position 3884, A replaced by C.
Protein change: p.Gln1295Pro; replaces glutamine 1295 with proline.
Molecular consequence: missense variant.
Genome position (GRCh38, 1-based): chr5:37,187,770, T>G on the plus strand (A>C on the coding strand, the complement: CPLANE1 is on the minus strand). VCF-style: chr5-37187770-T-G. GRCh37 (hg19) VCF-style: chr5-37187872-T-G.
Other names: c.3884A>C, p.Gln1295Pro (NM_023073.4); c.3884A>C (NM_023073.3); short protein forms Q1295P.
Identifiers: ClinVar variation 1384558 (VCV001384558.9), dbSNP rs1262508455, ClinGen allele CA359507235.
Genomic context (GRCh38, chr5:37,187,770, plus strand): 5'-CTTATTTTTGCCCTGGTAAATACCTTTTCTCCTTTTACATTTTCTCTTGCTTTCTGATAT[T>G]GCCTGCAACTATAGGATAACTTATCACGGACATGCAGCATCCAACACAGAGCACAAAGTT-3'
Protein context (NP_001371661.1, residues 1285-1305): VRDKLSYSCR[Gln1295Pro]YQKARENVKG

ClinVar aggregate classification (germline): Uncertain significance. Review status: criteria provided, multiple submitters, no conflicts (2 of 4 stars). 2 submissions from 2 submitters: Uncertain significance (2). Last evaluated 2024-08-12.

Conditions:
Inborn genetic diseases. Identifiers: MedGen C0950123, MeSH D030342.

Allele frequency attached by ClinVar (database versions not stated): TOPMed 0.00001; gnomAD 0.00002.
gnomAD v4.1: 6 of 1,613,806 alleles (0.00037%); highest among the groups gnomAD compares: Non-Finnish European, 0.00051%; no homozygotes.

Submissions (2):

Ambry Genetics
Classification: Uncertain significance for Inborn genetic diseases. Last evaluated: 2024-08-12. Review status: criteria provided, single submitter. Criteria: Ambry Variant Classification Scheme 2023. Collection method: clinical testing. Allele origin: germline.

Labcorp Genetics (formerly Invitae), Labcorp
Classification: Uncertain significance. Last evaluated: 2021-04-29. Review status: criteria provided, single submitter. Criteria: Invitae Variant Classification Sherloc (09022015). Collection method: clinical testing. Allele origin: germline.
Comment: In summary, the available evidence is currently insufficient to determine the role of this variant in disease. Therefore, it has been classified as a Variant of Uncertain Significance. Algorithms developed to predict the effect of missense changes on protein structure and function are either unavailable or do not agree on the potential impact of this missense change (SIFT: "Deleterious"; PolyPhen-2: "Probably Damaging"; Align-GVGD: "Class C0"). This variant has not been reported in the literature in individuals with CPLANE1-related conditions. This variant is not present in population databases (ExAC no frequency). This sequence change replaces glutamine with proline at codon 1295 of the CPLANE1 protein (p.Gln1295Pro). The glutamine residue is weakly conserved and there is a moderate physicochemical difference between glutamine and proline.